The following is an entry in ClinVar:

NM_022124.6(CDH23):c.9238G>A (p.Ala3080Thr)

Gene: CDH23 (cadherin related 23; plus strand). Cytogenetic location: 10q22.1.
Variant type: single nucleotide variant.
Coding change: c.9238G>A on transcript NM_022124.6 (MANE Select); coding-DNA position 9238, G replaced by A.
Protein change: p.Ala3080Thr; replaces alanine 3080 with threonine.
Molecular consequence: missense variant.
Genome position (GRCh38, 1-based): chr10:71,811,550, G>A. VCF-style: chr10-71811550-G-A. GRCh37 (hg19) VCF-style: chr10-73571307-G-A.
Other names: c.2518G>A, p.Ala840Thr (NM_001171933.1, NM_001171934.1); short protein forms A3080T, A840T.
Identifiers: ClinVar variation 226501 (VCV000226501.49), dbSNP rs369395479, ClinGen allele CA5546937.

ClinVar aggregate classification (germline): Conflicting classifications of pathogenicity. Review status: criteria provided, conflicting classifications (1 of 4 stars). 10 submissions from 9 submitters: Uncertain significance (1); Benign (6); Likely benign (2). 1 of the submissions does not count toward it. Last evaluated 2026-01-26.

Conditions:
Usher syndrome type 1 (USH1). Also called: RETINITIS PIGMENTOSA AND CONGENITAL DEAFNESS. Identifiers: Orphanet 231169, Orphanet 886, MedGen C1568247, MONDO:0010168, OMIM 276900.
Autosomal recessive nonsyndromic hearing loss 12. Also called: DEAFNESS, AUTOSOMAL RECESSIVE 12. Identifiers: Orphanet 90636, MedGen C1832394, MONDO:0011067, OMIM 601386.
Usher syndrome type 1D (USH1D). Also called: USHER SYNDROME, TYPE ID. Identifiers: Orphanet 231169, Orphanet 886, MedGen C1832845, MONDO:0010984, OMIM 601067.

Allele frequency attached by ClinVar (database versions not stated): ESP Exome Variant Server 0.00008; gnomAD 0.00009 and 0.00038; TOPMed 0.00018; gnomAD exomes 0.00072 and 0.00137; ExAC 0.00149; 1000 Genomes Project 30x 0.00297; 1000 Genomes Project 0.00300.
gnomAD v4.1: 1,122 of 1,613,840 alleles (0.07%); highest among the groups gnomAD compares: South Asian, 0.95%; 12 homozygotes.

Submissions (10):

Labcorp Genetics (formerly Invitae), Labcorp
Classification: Benign. Last evaluated: 2026-01-26. Review status: criteria provided, single submitter. Criteria: Invitae Variant Classification Sherloc (09022015). Collection method: clinical testing. Allele origin: germline.

CeGaT Center for Human Genetics Tuebingen
Classification: Likely benign. Last evaluated: 2026-01-01. Review status: criteria provided, single submitter. Criteria: CeGaT Center For Human Genetics Tuebingen Variant Classification Criteria Version 2. Collection method: clinical testing. Allele origin: germline. Affected: yes. Observed: 3 variant alleles.
Comment: CDH23: BP4, BS2

Blueprint Genetics
Classification: Likely benign. Last evaluated: 2024-11-12. Review status: criteria provided, single submitter. Criteria: ACMG Guidelines, 2015. Collection method: clinical testing. Allele origin: germline.

Women's Health and Genetics/Laboratory Corporation of America, LabCorp
Classification: Benign. Last evaluated: 2022-02-22. Review status: criteria provided, single submitter. Criteria: LabCorp Variant Classification Summary - May 2015. Collection method: clinical testing. Allele origin: germline.
Comment: Variant summary: CDH23 c.9238G>A (p.Ala3080Thr) results in a non-conservative amino acid change in the encoded protein sequence. Three of five in-silico tools predict a damaging effect of the variant on protein function. The variant allele was found at a frequency of 0.0014 in 253168 control chromosomes (gnomAD, publications), predominantly at a frequency of 0.0097 within the South Asian subpopulation in the gnomAD database, including 4 homozygotes. The observed variant frequency within South Asian control individuals in the gnomAD database is approximately 3 fold of the estimated maximal expected allele frequency for a pathogenic variant in CDH23 causing an Usher Syndrome phenotype (0.0032), suggesting that the variant is a benign polymorphism found primarily in populations of South Asian origin. c.9238G>A has been reported in the literature on individuals affected with autosomal recessive non-syndromic hearing loss (Sloan-Heggen_2016), however this report does not provide unequivocal conclusions about association of the variant with Usher Syndrome. To our knowledge, no experimental evidence demonstrating an impact on protein function has been reported. Seven ClinVar submitters have assessed the variant since 2014: six have classified the variant as benign and one as of uncertain significance. Based on the evidence outlined above, the variant was classified as benign.

GeneDx
Classification: Benign. Last evaluated: 2019-05-15. Review status: criteria provided, single submitter. Criteria: GeneDx Variant Classification Process June 2021. Collection method: clinical testing. Allele origin: germline. Affected: yes.
Comment: This variant is associated with the following publications: (PMID: 26969326, 24767429, 22135276)

Illumina Laboratory Services, Illumina
Classification: Uncertain significance for Autosomal recessive nonsyndromic hearing loss 12. Last evaluated: 2017-07-20. Review status: criteria provided, single submitter. Criteria: ICSL Variant Classification Criteria 13 December 2019. Collection method: clinical testing. Allele origin: germline.
Comment: This variant was observed as part of a predisposition screen in an ostensibly healthy population. A literature search was performed for the gene, cDNA change, and amino acid change (where applicable). Publications were found based on this search. However, the evidence from the literature, in combination with allele frequency data from public databases where available, was not sufficient to rule this variant in or out of causing disease. Therefore, this variant is classified as a variant of unknown significance.

Illumina Laboratory Services, Illumina
Classification: Benign for Usher syndrome type 1D. Last evaluated: 2017-07-20. Review status: criteria provided, single submitter. Criteria: ICSL Variant Classification Criteria 13 December 2019. Collection method: clinical testing. Allele origin: germline.
Comment: This variant was observed as part of a predisposition screen in an ostensibly healthy population. A literature search was performed for the gene, cDNA change, and amino acid change (where applicable). No publications were found based on this search. Allele frequency data from public databases was too high to be consistent with this variant causing disease. Therefore, this variant is classified as benign.

Eurofins Ntd Llc (ga)
Classification: Benign. Last evaluated: 2016-10-28. Review status: criteria provided, single submitter. Criteria: EGL Classification Definitions 2015. Collection method: clinical testing. Allele origin: germline. Observed: 1 variant allele, 1 homozygote.

Laboratory for Molecular Medicine, Mass General Brigham Personalized Medicine
Classification: Benign. Last evaluated: 2016-03-03. Review status: criteria provided, single submitter. Criteria: LMM Criteria. Collection method: clinical testing. Allele origin: germline. Observed: 1 variant allele.
Comment: c.9238G>A (p.Ala3080Thr) in exon 64 of CDH23: This variant is not expected to ha ve clinical significance because it has been identified in 1% (163/16512) of Sou th Asian chromosomes by the Exome Aggregation Consortium (ExAC; dbSNP rs369395479).

Natera, Inc.
Classification: Benign for Usher syndrome type 1. Last evaluated: 2019-12-26. Review status: no assertion criteria provided. Collection method: clinical testing. Allele origin: germline. Not counted in ClinVar's aggregate classification.

Literature cited by the submitters: PubMed 22135276 (cited by Women's Health and Genetics/Laboratory Corporation of America, LabCorp and Laboratory for Molecular Medicine, Mass General Brigham Personalized Medicine); PubMed 26969326 (cited by Women's Health and Genetics/Laboratory Corporation of America, LabCorp and Illumina Laboratory Services, Illumina); PubMed 27792758 (cited by Women's Health and Genetics/Laboratory Corporation of America, LabCorp); PubMed 24767429 (cited by 3 submitters).